The following is an entry in ClinVar:

ClinVar aggregate classification (germline): Likely pathogenic (1 of 4 stars; one submission).

Conditions:
Autosomal recessive primary microcephaly. Identifiers: Orphanet 2512, MedGen C3711387, MONDO:0016660.

Submission:

Women's Health and Genetics/Laboratory Corporation of America, LabCorp
Classification: Likely pathogenic for Autosomal recessive primary microcephaly. Last evaluated: 2023-02-20. Review status: criteria provided, single submitter. Criteria: LabCorp Variant Classification Summary - May 2015. Collection method: clinical testing. Allele origin: germline.
Comment: Variant summary: MCPH1 c.625_626delCT (p.Leu209ValfsX2) results in a premature termination codon, predicted to cause a truncation of the encoded protein or absence of the protein due to nonsense mediated decay, which are commonly known mechanisms for disease. Truncations downstream of this position have been classified as pathogenic via ClinVar. The variant allele was found at a frequency of 8e-06 in 249424 control chromosomes. To our knowledge, no occurrence of c.625_626delCT in individuals affected with Primary microcephaly and no experimental evidence demonstrating its impact on protein function have been reported. No clinical diagnostic laboratories have submitted clinical-significance assessments for this variant to ClinVar after 2014. Based on the evidence outlined above, the variant was classified as likely pathogenic.

NM_024596.5(MCPH1):c.625_626del (p.Leu209fs)

Gene: MCPH1 (microcephalin 1; plus strand). Cytogenetic location: 8p23.1.
Variant type: Microsatellite.
Coding change: c.625_626del on transcript NM_024596.5 (MANE Select); coding-DNA positions 625 to 626, 2 bases deleted (CT; older notation c.625_626delCT).
Protein change: p.Leu209fs; shifts the reading frame from leucine 209.
Molecular consequence: frameshift variant. On other transcripts: non-coding transcript variant (1).
Genome position (GRCh38, 1-based): chr8:6,442,111-6,442,112, CT deleted; deleting any 2 consecutive bases within chr8:6,442,107-6,442,112 gives the same sequence; the c. name uses the placement nearest the transcript's 3' end. VCF-style (leftmost placement, unchanged base first): chr8-6442106-ACT-A. GRCh37 (hg19) VCF-style: chr8-6299627-ACT-A.
Other names: c.625_626del, p.Leu209fs (NM_001172574.2, NM_001322042.2, NM_001363979.1 and 1 more transcripts); c.481_482del, p.Leu161fs (NM_001172575.2); c.619_620del, p.Leu207fs (NM_001322043.2); c.523_524del, p.Leu175fs (NM_001322045.2); c.621_622CT[2], p.Leu209Valfs (NM_001410916.1, NM_001410917.1); c.625_626delCT (NM_024596.4); short protein forms L161fs, L175fs, L207fs, L209fs.
Identifiers: ClinVar variation 2445927 (VCV002445927.1), dbSNP rs975741762, ClinGen allele CA171401506.